The following is an entry in ClinVar:

NM_020638.3(FGF23):c.70G>A (p.Ala24Thr)

Gene: FGF23 (fibroblast growth factor 23; minus strand). Cytogenetic location: 12p13.32.
Variant type: single nucleotide variant.
Coding change: c.70G>A on transcript NM_020638.3 (MANE Select); coding-DNA position 70, G replaced by A.
Protein change: p.Ala24Thr; replaces alanine 24 with threonine.
Molecular consequence: missense variant.
Genome position (GRCh38, 1-based): chr12:4,379,513, C>T on the plus strand (G>A on the coding strand, the complement: FGF23 is on the minus strand). VCF-style: chr12-4379513-C-T. GRCh37 (hg19) VCF-style: chr12-4488679-C-T.
Other names: c.70G>A (NM_020638.2); short protein forms A24T.
Identifiers: ClinVar variation 1920283 (VCV001920283.7), dbSNP rs776823065, ClinGen allele CA6395786.

ClinVar aggregate classification (germline): Uncertain significance. Review status: criteria provided, multiple submitters, no conflicts (2 of 4 stars). 3 submissions from 3 submitters: Uncertain significance (3). Last evaluated 2024-01-30.

Conditions:
Inborn genetic diseases. Identifiers: MedGen C0950123, MeSH D030342.

Allele frequency attached by ClinVar (database versions not stated): gnomAD exomes 0.00003; ExAC 0.00004; TOPMed 0.00004; gnomAD 0.00005.

Submissions (3):

Ambry Genetics
Classification: Uncertain significance for Inborn genetic diseases. Last evaluated: 2024-01-30. Review status: criteria provided, single submitter. Criteria: Ambry Variant Classification Scheme 2023. Collection method: clinical testing. Allele origin: germline.

Women's Health and Genetics/Laboratory Corporation of America, LabCorp
Classification: Uncertain significance. Last evaluated: 2023-09-15. Review status: criteria provided, single submitter. Criteria: LabCorp Variant Classification Summary - May 2015. Collection method: clinical testing. Allele origin: germline.
Comment: Variant summary: FGF23 c.70G>A (p.Ala24Thr) results in a non-conservative amino acid change in the encoded protein sequence. Three of five in-silico tools predict a damaging effect of the variant on protein function. The variant allele was found at a frequency of 2.8e-05 in 250152 control chromosomes. The available data on variant occurrences in the general population are insufficient to allow any conclusion about variant significance. To our knowledge, no occurrence of c.70G>A in individuals affected with Autosomal Dominant Hypophosphatemic Rickets and no experimental evidence demonstrating its impact on protein function have been reported. One submitter has cited clinical-significance assessments for this variant to ClinVar after 2014 and has classified the variant as uncertain significance. Based on the evidence outlined above, the variant was classified as uncertain significance.

Labcorp Genetics (formerly Invitae), Labcorp
Classification: Uncertain significance. Last evaluated: 2022-08-19. Review status: criteria provided, single submitter. Criteria: Invitae Variant Classification Sherloc (09022015). Collection method: clinical testing. Allele origin: germline.
Comment: In summary, the available evidence is currently insufficient to determine the role of this variant in disease. Therefore, it has been classified as a Variant of Uncertain Significance. Algorithms developed to predict the effect of missense changes on protein structure and function are either unavailable or do not agree on the potential impact of this missense change (SIFT: "Tolerated"; PolyPhen-2: "Probably Damaging"; Align-GVGD: "Class C0"). This variant has not been reported in the literature in individuals affected with FGF23-related conditions. This variant is present in population databases (rs776823065, gnomAD 0.005%). This sequence change replaces alanine, which is neutral and non-polar, with threonine, which is neutral and polar, at codon 24 of the FGF23 protein (p.Ala24Thr).